The following is an entry in ClinVar:

ClinVar aggregate classification (germline): Benign/Likely benign. Review status: criteria provided, multiple submitters, no conflicts (2 of 4 stars). 3 submissions from 3 submitters: Benign (1); Likely benign (2). Last evaluated 2017-04-27.

Conditions:
Platelet-type bleeding disorder 9 (BDPLT9). Also called: GLYCOPROTEIN Ia DEFICIENCY; GP Ia DEFICIENCY; COLLAGEN PLATELET RECEPTOR DEFICIENCY. Identifiers: Orphanet 73271, Orphanet 98886, MedGen C3280114, MONDO:0013622, OMIM 614200.
Neonatal alloimmune thrombocytopenia. Also called: Fetal and neonatal alloimmune thrombocytopenia. Identifiers: Orphanet 853, MedGen C3853779, MONDO:0019415, HP:0004809.

Allele frequency attached by ClinVar (database versions not stated): gnomAD 0.00003 and 0.00069; TOPMed 0.00011; gnomAD exomes 0.00113 and 0.00212; ExAC 0.00248; 1000 Genomes Project 30x 0.00406; 1000 Genomes Project 0.00459.
gnomAD v4.1: 1,746 of 1,608,840 alleles (0.11%); highest among the groups gnomAD compares: South Asian, 1.8%; 26 homozygotes.

Submissions (3):

Illumina Laboratory Services, Illumina
Classification: Likely benign for Platelet-type bleeding disorder 9. Last evaluated: 2017-04-27. Review status: criteria provided, single submitter. Criteria: ICSL Variant Classification Criteria 13 December 2019. Collection method: clinical testing. Allele origin: germline.
Comment: This variant was observed as part of a predisposition screen in an ostensibly healthy population. A literature search was performed for the gene, cDNA change, and amino acid change (where applicable). No publications were found based on this search. Allele frequency data from public databases allowed determination this variant is unlikely to cause disease. Therefore, this variant is classified as likely benign.

Breakthrough Genomics
Classification: Likely benign. Review status: criteria provided, single submitter. Criteria: ACMG Guidelines, 2015. Collection method: not provided. Allele origin: germline. Inheritance: Unknown mechanism. Affected: yes.

Broad Center for Mendelian Genomics, Broad Institute of MIT and Harvard
Classification: Benign for Fetal and neonatal alloimmune thrombocytopenia. Review status: criteria provided, single submitter. Criteria: ACMG Guidelines, 2015. Collection method: research. Allele origin: germline. Affected: yes.
Comment: The p.Ile532Leu variant in ITGA2 has been identified in association with a maternal alloimmune response in fetal platelets and not fetal/neonatal alloimmune thrombocytopenia (PMID: 23368983). In summary, this variant meets criteria to be classified as benign for fetal/neonatal alloimmune thrombocytopenia.

Literature cited by the submitters: PubMed 23368983 (cited by Broad Center for Mendelian Genomics, Broad Institute of MIT and Harvard).

NM_002203.4(ITGA2):c.1594A>C (p.Ile532Leu)

Gene: ITGA2 (integrin subunit alpha 2; plus strand). Cytogenetic location: 5q11.2.
Variant type: single nucleotide variant.
Coding change: c.1594A>C on transcript NM_002203.4 (MANE Select); coding-DNA position 1594, A replaced by C.
Protein change: p.Ile532Leu; replaces isoleucine 532 with leucine.
Molecular consequence: missense variant. On other transcripts: non-coding transcript variant (5).
Genome position (GRCh38, 1-based): chr5:53,062,921, A>C. VCF-style: chr5-53062921-A-C. GRCh37 (hg19) VCF-style: chr5-52358751-A-C.
Other names: short protein forms I532L.
Identifiers: ClinVar variation 353752 (VCV000353752.7), dbSNP rs199808499, ClinGen allele CA3262932.
Genomic context (GRCh38, chr5:53,062,921, plus strand): 5'-GGTGCACCAATGTACATGAGTGACCTAAAGAAAGAGGAAGGAAGAGTCTACCTGTTTACT[A>C]TCAAAGAGGTAAAAAAAAAAAAATAAACTAATAGTTTAATTTGCTTTAGTACTGGTAATT-3'
Protein context (NP_002194.2, residues 522-542): KEEGRVYLFT[Ile532Leu]KEGILGQHQF